The following is an entry in ClinVar:

ClinVar aggregate classification (germline): Uncertain significance. Review status: criteria provided, multiple submitters, no conflicts (2 of 4 stars). 2 submissions from 2 submitters: Uncertain significance (2). Last evaluated 2024-05-14.

Conditions:
Inborn genetic diseases. Identifiers: MedGen C0950123, MeSH D030342.

Allele frequency attached by ClinVar (database versions not stated): ExAC 0.00002; gnomAD exomes 0.00002; TOPMed 0.00002.
gnomAD v4.1: 29 of 1,612,516 alleles (0.0018%); highest among the groups gnomAD compares: Middle Eastern, 0.017%; no homozygotes.

Submissions (2):

Ambry Genetics
Classification: Uncertain significance for Inborn genetic diseases. Last evaluated: 2024-05-14. Review status: criteria provided, single submitter. Criteria: Ambry Variant Classification Scheme 2023. Collection method: clinical testing. Allele origin: germline.

GeneDx
Classification: Uncertain significance. Last evaluated: 2023-03-22. Review status: criteria provided, single submitter. Criteria: GeneDx Variant Classification Process June 2021. Collection method: clinical testing. Allele origin: germline. Affected: yes.
Comment: Not observed at significant frequency in large population cohorts (gnomAD); In silico analysis supports that this missense variant has a deleterious effect on protein structure/function; Has not been previously published as pathogenic or benign to our knowledge

NM_001128228.3(TPRN):c.1417C>T (p.Pro473Ser)

Gene: TPRN (taperin; minus strand). Cytogenetic location: 9q34.3.
Variant type: single nucleotide variant.
Coding change: c.1417C>T on transcript NM_001128228.3 (MANE Select); coding-DNA position 1417, C replaced by T.
Protein change: p.Pro473Ser; replaces proline 473 with serine.
Molecular consequence: missense variant.
Genome position (GRCh38, 1-based): chr9:137,199,295, G>A on the plus strand (C>T on the coding strand, the complement: TPRN is on the minus strand). VCF-style: chr9-137199295-G-A. GRCh37 (hg19) VCF-style: chr9-140093747-G-A.
Other names: short protein forms P473S.
Identifiers: ClinVar variation 2580419 (VCV002580419.2), dbSNP rs764184855, ClinGen allele CA5362742.